The following is an entry in ClinVar:

NM_001365951.3(KIF1B):c.2839G>T (p.Ala947Ser)

Genes: KIF1B (kinesin family member 1B; plus strand), LOC126805614 (BRD4-independent group 4 enhancer GRCh37_chr1:10385546-10386745; plus strand). Cytogenetic location: 1p36.22.
Variant type: single nucleotide variant.
Coding change: c.2839G>T on transcript NM_001365951.3 (MANE Select); coding-DNA position 2839, G replaced by T.
Protein change: p.Ala947Ser; replaces alanine 947 with serine.
Molecular consequence: missense variant.
Genome position (GRCh38, 1-based): chr1:10,326,274, G>T. VCF-style: chr1-10326274-G-T. GRCh37 (hg19) VCF-style: chr1-10386332-G-T.
Other names: c.2839G>T, p.Ala947Ser (NM_001365952.1); c.2701G>T, p.Ala901Ser (NM_015074.3); short protein forms A901S, A947S.
Identifiers: ClinVar variation 1414744 (VCV001414744.11), dbSNP rs748284088, ClinGen allele CA581624.
Genomic context (GRCh38, chr1:10,326,274, plus strand): 5'-CAGCAAGATGAGATGGAGGATTTTGATGATGAGGCATTCGTGGATGACGCCGGCTCTGAC[G>T]CAGGGACGGAGGAGGGATCAGATCTCTTCAGTGACGGGCATGACCCGTTTTACGACCGAT-3'
Protein context (NP_001352880.1, residues 937-957): EAFVDDAGSD[Ala947Ser]GTEEGSDLFS

ClinVar aggregate classification (germline): Uncertain significance. Review status: criteria provided, multiple submitters, no conflicts (2 of 4 stars). 3 submissions from 3 submitters: Uncertain significance (3). Last evaluated 2025-04-08.

Conditions:
Pheochromocytoma. Also called: MAX-Related Hereditary Paraganglioma-Pheochromocytoma Syndrome. Identifiers: Orphanet 29072, MedGen C0031511, MONDO:0008233, OMIM 171300, HP:0002666.
Charcot-Marie-Tooth disease type 2. Also called: Charcot-Marie-Tooth type 2. Identifiers: Orphanet 64746, MedGen C0270914, MONDO:0018993.

Allele frequency attached by ClinVar (database versions not stated): gnomAD 0.00001; gnomAD exomes 0.00002; ExAC 0.00002.
gnomAD v4.1: 34 of 1,614,056 alleles (0.0021%); highest among the groups gnomAD compares: Middle Eastern, 0.049%; no homozygotes.

Submissions (3):

Ambry Genetics
Classification: Uncertain significance. Last evaluated: 2025-04-08. Review status: criteria provided, single submitter. Criteria: Ambry Variant Classification Scheme 2023. Collection method: clinical testing. Allele origin: germline.

Labcorp Genetics (formerly Invitae), Labcorp
Classification: Uncertain significance for Charcot-Marie-Tooth disease type 2. Last evaluated: 2025-04-08. Review status: criteria provided, single submitter. Criteria: Invitae Variant Classification Sherloc (09022015). Collection method: clinical testing. Allele origin: germline.
Comment: This sequence change replaces alanine, which is neutral and non-polar, with serine, which is neutral and polar, at codon 901 of the KIF1B protein (p.Ala901Ser). This variant is present in population databases (rs748284088, gnomAD 0.004%). This variant has not been reported in the literature in individuals affected with KIF1B-related conditions. ClinVar contains an entry for this variant (Variation ID: 1414744). An algorithm developed to predict the effect of missense changes on protein structure and function (PolyPhen-2) suggests that this variant is likely to be tolerated. In summary, the available evidence is currently insufficient to determine the role of this variant in disease. Therefore, it has been classified as a Variant of Uncertain Significance.

St. Jude Molecular Pathology, St. Jude Children's Research Hospital
Classification: Uncertain significance for Pheochromocytoma. Last evaluated: 2025-02-05. Review status: criteria provided, single submitter. Criteria: St. Jude Assertion Criteria 2020. Collection method: clinical testing. Allele origin: germline.
Comment: The KIF1B c.2701G>T p.(Ala901Ser) missense change has a maximum subpopulation frequency of 0.004% in gnomAD v2.1.1. The in silico tool REVEL predicts a benign effect on protein function, but to our knowledge this prediction has not been confirmed by functional studies. To our knowledge, this variant has not been reported in individuals with pheochromocytoma or neuroblastoma. In summary, the evidence currently available is insufficient to determine the clinical significance of this variant. It has therefore been classified as of uncertain significance.